The following is an entry in ClinVar:

ClinVar aggregate classification (germline): Uncertain significance (1 of 4 stars; one submission).

Allele frequency attached by ClinVar (database versions not stated): gnomAD 0.00001; gnomAD exomes 0.00001; TOPMed below 0.00001; ExAC 0.00001.
gnomAD v4.1: 22 of 1,613,722 alleles (0.0014%); highest among the groups gnomAD compares: East Asian, 0.0022%; no homozygotes.

Submission:

Labcorp Genetics (formerly Invitae), Labcorp
Classification: Uncertain significance. Last evaluated: 2025-01-24. Review status: criteria provided, single submitter. Criteria: Invitae Variant Classification Sherloc (09022015). Collection method: clinical testing. Allele origin: germline.
Comment: This sequence change replaces threonine, which is neutral and polar, with methionine, which is neutral and non-polar, at codon 862 of the COL7A1 protein (p.Thr862Met). This variant is present in population databases (rs746386078, gnomAD 0.002%). This variant has not been reported in the literature in individuals affected with COL7A1-related conditions. ClinVar contains an entry for this variant (Variation ID: 2067758). Experimental studies and prediction algorithms are not available or were not evaluated, and the functional significance of this variant is currently unknown. In summary, the available evidence is currently insufficient to determine the role of this variant in disease. Therefore, it has been classified as a Variant of Uncertain Significance.

NM_000094.4(COL7A1):c.2585C>T (p.Thr862Met)

Gene: COL7A1 (collagen type VII alpha 1 chain; minus strand). Cytogenetic location: 3p21.31.
Variant type: single nucleotide variant.
Coding change: c.2585C>T on transcript NM_000094.4 (MANE Select); coding-DNA position 2585, C replaced by T.
Protein change: p.Thr862Met; replaces threonine 862 with methionine.
Molecular consequence: missense variant.
Genome position (GRCh38, 1-based): chr3:48,588,644, G>A on the plus strand (C>T on the coding strand, the complement: COL7A1 is on the minus strand). VCF-style: chr3-48588644-G-A. GRCh37 (hg19) VCF-style: chr3-48626077-G-A.
Other names: short protein forms T862M.
Identifiers: ClinVar variation 2067758 (VCV002067758.4), dbSNP rs746386078, ClinGen allele CA2380842.